The following is an entry in ClinVar:

NM_001004334.4(GPR179):c.295G>A (p.Ala99Thr)

Gene: GPR179 (G protein-coupled receptor 179; minus strand). Cytogenetic location: 17q12.
Variant type: single nucleotide variant.
Coding change: c.295G>A on transcript NM_001004334.4 (MANE Select); coding-DNA position 295, G replaced by A.
Protein change: p.Ala99Thr; replaces alanine 99 with threonine.
Molecular consequence: missense variant.
Genome position (GRCh38, 1-based): chr17:38,343,495, C>T on the plus strand (G>A on the coding strand, the complement: GPR179 is on the minus strand). VCF-style: chr17-38343495-C-T. GRCh37 (hg19) VCF-style: chr17-36499378-C-T.
Other names: short protein forms A99T.
Identifiers: ClinVar variation 1716899 (VCV001716899.5), dbSNP rs779899572, ClinGen allele CA290111766.
Genomic context (GRCh38, chr17:38,343,495, plus strand): 5'-GGATGTCGTTGGCTTGCAGCAGCATGTTGAGAAAATTGGCGGCCTGGGCAAGGGTGCCCG[C>T]TGCCCCCTGTAGGCTTGGGGGGAGCCCTGGCATGGCTCCTGCCCCACGCGCTTCATAGCG-3'
Protein context (NP_001004334.3, residues 89-109): PGLPPSLQGA[Ala99Thr]GTLAQAANFL

ClinVar aggregate classification (germline): Uncertain significance (1 of 4 stars; one submission).

Allele frequency attached by ClinVar (database versions not stated): gnomAD exomes below 0.00001; ExAC 0.00002.
gnomAD v4.1: 2 of 1,613,888 alleles (0.00012%); highest among the groups gnomAD compares: South Asian, 0.0022%; no homozygotes.

Submission:

Labcorp Genetics (formerly Invitae), Labcorp
Classification: Uncertain significance. Last evaluated: 2022-08-19. Review status: criteria provided, single submitter. Criteria: Invitae Variant Classification Sherloc (09022015). Collection method: clinical testing. Allele origin: germline.
Comment: Algorithms developed to predict the effect of missense changes on protein structure and function are either unavailable or do not agree on the potential impact of this missense change (SIFT: "Deleterious"; PolyPhen-2: "Benign"; Align-GVGD: "Class C0"). In summary, the available evidence is currently insufficient to determine the role of this variant in disease. Therefore, it has been classified as a Variant of Uncertain Significance. This variant has not been reported in the literature in individuals affected with GPR179-related conditions. This variant is present in population databases (rs779899572, gnomAD 0.01%). This sequence change replaces alanine, which is neutral and non-polar, with threonine, which is neutral and polar, at codon 99 of the GPR179 protein (p.Ala99Thr).